The following is an entry in ClinVar:

ClinVar aggregate classification (germline): Likely benign (1 of 4 stars; one submission).

Submission:

CeGaT Center for Human Genetics Tuebingen
Classification: Likely benign. Last evaluated: 2025-12-01. Review status: criteria provided, single submitter. Criteria: CeGaT Center For Human Genetics Tuebingen Variant Classification Criteria Version 2. Collection method: clinical testing. Allele origin: germline. Affected: yes. Observed: 2 variant alleles.
Comment: GABRB3: BP4, BS1

NC_000015.10:g.26816363G>A

Gene: GABRB3 (gamma-aminobutyric acid type A receptor subunit beta3; minus strand). Cytogenetic location: 15q12.
Variant type: single nucleotide variant.
Genome position: GRCh38 VCF-style: chr15-26816363-G-A. GRCh37 (hg19) VCF-style: chr15-27061510-G-A.
Identifiers: ClinVar variation 3905002 (VCV003905002.10).